The following is an entry in ClinVar:

ClinVar aggregate classification (germline): Likely pathogenic. Review status: criteria provided, multiple submitters, no conflicts (2 of 4 stars). 2 submissions from 2 submitters: Likely pathogenic (2). Last evaluated 2025-04-09.

Conditions:
Cardiovascular phenotype. Identifiers: MedGen CN230736.
Dilated cardiomyopathy 1G (CMD1G). Identifiers: Orphanet 154, MedGen C1858763, MONDO:0011400, OMIM 604145.
Autosomal recessive limb-girdle muscular dystrophy type 2J (LGMDR10). Also called: MUSCULAR DYSTROPHY, LIMB-GIRDLE, AUTOSOMAL RECESSIVE 10; Limb-girdle muscular dystrophy, type 2J. Identifiers: Orphanet 140922, MedGen C1837342, MONDO:0012127, OMIM 608807.

Submissions (2):

Ambry Genetics
Classification: Likely pathogenic for Cardiovascular phenotype. Last evaluated: 2025-04-09. Review status: criteria provided, single submitter. Criteria: Ambry Variant Classification Scheme 2023. Collection method: clinical testing. Allele origin: germline.
Comment: The p.K18714* variant (also known as c.56140A>T), located in coding exon 153 of the TTN gene, results from an A to T substitution at nucleotide position 56140. This changes the amino acid from a lysine to a stop codon within coding exon 153. This exon is located in the A-band region of the N2-B isoform of the titin protein and is constitutively expressed in TTN transcripts (percent spliced in or PSI 100%). This variant was reported in individual(s) with features consistent with dilated cardiomyopathy (Ambry internal data). This variant is considered to be rare based on population cohorts in the Genome Aggregation Database (gnomAD). This variant is expected to result in loss of function by premature protein truncation or nonsense-mediated mRNA decay. While truncating variants in TTN are present in 1-3% of the general population, truncating variants in the A-band are the most common cause of dilated cardiomyopathy (Herman DS et al. N. Engl. J. Med., 2012 Feb;366:619-28; Roberts AM et al. Sci Transl Med, 2015 Jan;7:270ra6). TTN truncating variants encoded in constitutive exons (PSI >90%) have been found to be significantly associated with DCM regardless of their position in titin (Schafer S et al. Nat. Genet., 2017 01;49:46-53; Akhtar MM et al. Circ Heart Fail, 2020 Oct;13:e006832; Massier M et al. Clin Genet, 2025 Jan). Based on the majority of available evidence to date, this variant is likely to be pathogenic.

Labcorp Genetics (formerly Invitae), Labcorp
Classification: Likely pathogenic for Dilated cardiomyopathy 1G; Autosomal recessive limb-girdle muscular dystrophy type 2J. Last evaluated: 2021-01-18. Review status: criteria provided, single submitter. Criteria: Invitae Variant Classification Sherloc (09022015). Collection method: clinical testing. Allele origin: germline.
Comment: This variant has been observed in individual(s) with clinical features of TTN-related conditions (Invitae). In summary, the currently available evidence indicates that the variant is pathogenic, but additional data are needed to prove that conclusively. Therefore, this variant has been classified as Likely Pathogenic. This variant is located in the A band of TTN (PMID: 25589632). Truncating variants in this region are significantly overrepresented in patients affected with dilated cardiomyopathy (PMID: 25589632). Truncating variants in this region have also been reported in individuals affected with autosomal recessive centronuclear myopathy (PMID: 23975875). This variant is not present in population databases (ExAC no frequency). This sequence change creates a premature translational stop signal (p.Lys27779*) in the TTN gene. While this is not anticipated to result in nonsense mediated decay, it is expected to create a truncated TTN protein.

Literature cited by the submitters: PubMed 25589632 (cited by Labcorp Genetics (formerly Invitae), Labcorp); PubMed 23975875 (cited by Labcorp Genetics (formerly Invitae), Labcorp).

NM_001267550.2(TTN):c.83335A>T (p.Lys27779Ter)

Genes: TTN-AS1 (TTN antisense RNA 1; plus strand), TTN (titin; minus strand). Cytogenetic location: 2q31.2.
Variant type: single nucleotide variant.
Coding change: c.83335A>T on transcript NM_001267550.2 (MANE Select); coding-DNA position 83335, A replaced by T.
Protein change: p.Lys27779Ter; replaces lysine 27779 with a stop codon.
Molecular consequence: nonsense.
Genome position (GRCh38, 1-based): chr2:178,562,797, T>A on the plus strand (A>T on the coding strand, the complement: TTN is on the minus strand). VCF-style: chr2-178562797-T-A. GRCh37 (hg19) VCF-style: chr2-179427524-T-A.
Other names: c.78412A>T, p.Lys26138Ter (NM_001256850.1); c.56140A>T, p.Lys18714Ter (NM_003319.4); c.75631A>T, p.Lys25211Ter (NM_133378.4); c.56515A>T, p.Lys18839Ter (NM_133432.3); c.56716A>T, p.Lys18906Ter (NM_133437.4); short protein forms K18714*, K18839*, K18906*, K25211*, K26138*, K27779*.
Identifiers: ClinVar variation 1475078 (VCV001475078.9), dbSNP rs2154160959, ClinGen allele CA349568257.